The following is an entry in ClinVar:

NM_017934.7(PHIP):c.1644A>C (p.Lys548Asn)

Gene: PHIP (PHIP subunit of CUL4-Ring ligase complex; minus strand). Cytogenetic location: 6q14.1.
Variant type: single nucleotide variant.
Coding change: c.1644A>C on transcript NM_017934.7 (MANE Select); coding-DNA position 1644, A replaced by C.
Protein change: p.Lys548Asn; replaces lysine 548 with asparagine.
Molecular consequence: missense variant.
Genome position (GRCh38, 1-based): chr6:79,003,739, T>G on the plus strand (A>C on the coding strand, the complement: PHIP is on the minus strand). VCF-style: chr6-79003739-T-G. GRCh37 (hg19) VCF-style: chr6-79713456-T-G.
Other names: short protein forms K548N.
Identifiers: ClinVar variation 2579433 (VCV002579433.1), dbSNP rs1562171146, ClinGen allele CA364632470.

ClinVar aggregate classification (germline): Uncertain significance (1 of 4 stars; one submission).

Submission:

GeneDx
Classification: Uncertain significance. Last evaluated: 2023-03-06. Review status: criteria provided, single submitter. Criteria: GeneDx Variant Classification Process June 2021. Collection method: clinical testing. Allele origin: germline. Affected: yes.
Comment: Not observed at significant frequency in large population cohorts (gnomAD); In silico analysis supports that this missense variant does not alter protein structure/function; Has not been previously published as pathogenic or benign to our knowledge